The following is an entry in ClinVar:

ClinVar aggregate classification (germline): Likely benign (1 of 4 stars; one submission).

gnomAD v4.1: 210 of 1,613,654 alleles (0.013%); highest among the groups gnomAD compares: Non-Finnish European, 0.017%; no homozygotes.

Submission:

CeGaT Center for Human Genetics Tuebingen
Classification: Likely benign. Last evaluated: 2025-02-01. Review status: criteria provided, single submitter. Criteria: CeGaT Center For Human Genetics Tuebingen Variant Classification Criteria Version 2. Collection method: clinical testing. Allele origin: germline. Affected: yes. Observed: 1 variant allele.
Comment: TEX14: BP4, BP7

NM_031272.5(TEX14):c.3172-1907G>A

Gene: TEX14 (testis expressed 14, intercellular bridge forming factor; minus strand). Cytogenetic location: 17q22.
Variant type: single nucleotide variant.
Coding change: c.3172-1907G>A on transcript NM_031272.5 (MANE Select); 1907 bases into the intron before coding-DNA position 3172, G replaced by A.
Molecular consequence: intron variant. On other transcripts: synonymous variant (2).
Genome position (GRCh38, 1-based): chr17:58,581,638, C>T on the plus strand (G>A on the coding strand, the complement: TEX14 is on the minus strand). VCF-style: chr17-58581638-C-T. GRCh37 (hg19) VCF-style: chr17-56658999-C-T.
Other names: c.3282G>A, p.Ser1094= (NM_001201457.2); c.3264G>A, p.Ser1088= (NM_198393.4).
Identifiers: ClinVar variation 3771480 (VCV003771480.13).
Genomic context (GRCh38, chr17:58,581,638, plus strand): 5'-AAAAGGTACTTTACCCTGAACTGCGTTTTTTACCTCTAGAGCTAAGTTTTCTTGAGCAGT[C>T]GAGGAGTAAAAATATTCACCGTCTGGAGTTAAAAATTCATCTGTTATATCCTCAGAAGAC-3'